The following is an entry in ClinVar:

ClinVar aggregate classification (germline): Uncertain significance (1 of 4 stars; one submission).

Conditions:
Alpha-methylacyl-CoA racemase deficiency (AMACRD). Also called: AMACR deficiency. Identifiers: Orphanet 79095, MedGen C3280428, MONDO:0013681, OMIM 614307. Disease mechanism: loss of function.

Allele frequency attached by ClinVar (database versions not stated): TOPMed below 0.00001.

Submission:

Labcorp Genetics (formerly Invitae), Labcorp
Classification: Uncertain significance for Alpha-methylacyl-CoA racemase deficiency. Last evaluated: 2022-07-26. Review status: criteria provided, single submitter. Criteria: Invitae Variant Classification Sherloc (09022015). Collection method: clinical testing. Allele origin: germline.
Comment: In summary, the available evidence is currently insufficient to determine the role of this variant in disease. Therefore, it has been classified as a Variant of Uncertain Significance. Variants that disrupt the consensus splice site are a relatively common cause of aberrant splicing (PMID: 17576681, 9536098). Algorithms developed to predict the effect of sequence changes on RNA splicing suggest that this variant is not likely to affect RNA splicing. ClinVar contains an entry for this variant (Variation ID: 1400261). This variant has not been reported in the literature in individuals affected with AMACR-related conditions. This variant is not present in population databases (gnomAD no frequency). This sequence change falls in intron 2 of the AMACR gene. It does not directly change the encoded amino acid sequence of the AMACR protein. It affects a nucleotide within the consensus splice site.

Literature cited by the submitters: PubMed 17576681; PubMed 9536098.

NM_014324.6(AMACR):c.391+3A>G

Genes: AMACR (alpha-methylacyl-CoA racemase; minus strand), C1QTNF3-AMACR (C1QTNF3-AMACR readthrough (NMD candidate); minus strand). Cytogenetic location: 5p13.2.
Variant type: single nucleotide variant.
Coding change: c.391+3A>G on transcript NM_014324.6 (MANE Select); 3 bases into the intron after coding-DNA position 391, A replaced by G.
Molecular consequence: intron variant.
Genome position (GRCh38, 1-based): chr5:34,005,753, T>C on the plus strand (A>G on the coding strand, the complement: AMACR is on the minus strand). VCF-style: chr5-34005753-T-C. GRCh37 (hg19) VCF-style: chr5-34005858-T-C.
Other names: c.391+3A>G (NM_203382.3, NM_001167595.2).
Identifiers: ClinVar variation 1400261 (VCV001400261.6), dbSNP rs1753952875, ClinGen allele CA1538247201.